The following is an entry in ClinVar:

NC_000021.8:g.(?_47690295)_(47705200_?)dup

Gene: MCM3AP (minichromosome maintenance complex component 3 associated protein; minus strand). Cytogenetic location: 21q22.3.
Variant type: Duplication.
Identifiers: ClinVar variation 2424791 (VCV002424791.4).

ClinVar aggregate classification (germline): Uncertain significance (1 of 4 stars; one submission).

Submission:

Labcorp Genetics (formerly Invitae), Labcorp
Classification: Uncertain significance. Last evaluated: 2023-12-04. Review status: criteria provided, single submitter. Criteria: Invitae Variant Classification Sherloc (09022015). Collection method: clinical testing. Allele origin: germline.
Comment: This variant results in a copy number gain of the genomic region encompassing exon(s) 1-9 of the MCM3AP gene. This region includes the initiator codon of the gene. This copy number gain extends beyond the assayed region for this gene and therefore may encompass additional genes. As the precise location of this event is unknown, it may be in tandem or it may be located elsewhere in the genome. This variant has not been reported in the literature in individuals affected with MCM3AP-related conditions. In summary, the available evidence is currently insufficient to determine the role of this variant in disease. Therefore, it has been classified as a Variant of Uncertain Significance.